The following is an entry in ClinVar:

NM_018975.4(TERF2IP):c.1108T>G (p.Leu370Val)

Gene: TERF2IP (TERF2 interacting protein; plus strand). Cytogenetic location: 16q23.1.
Variant type: single nucleotide variant.
Coding change: c.1108T>G on transcript NM_018975.4 (MANE Select); coding-DNA position 1108, T replaced by G.
Protein change: p.Leu370Val; replaces leucine 370 with valine.
Molecular consequence: missense variant. On other transcripts: non-coding transcript variant (1).
Genome position (GRCh38, 1-based): chr16:75,656,519, T>G. VCF-style: chr16-75656519-T-G. GRCh37 (hg19) VCF-style: chr16-75690417-T-G.
Other names: short protein forms L370V.
Identifiers: ClinVar variation 1794398 (VCV001794398.3), dbSNP rs1258361708, ClinGen allele CA396820276.

ClinVar aggregate classification (germline): Uncertain significance (1 of 4 stars; one submission).

Allele frequency attached by ClinVar (database versions not stated): TOPMed below 0.00001.

Submission:

Ambry Genetics
Classification: Uncertain significance. Last evaluated: 2024-08-08. Review status: criteria provided, single submitter. Criteria: Ambry Variant Classification Scheme 2023. Collection method: clinical testing. Allele origin: germline.
Comment: The p.L370V variant (also known as c.1108T>G), located in coding exon 3 of the TERF2IP gene, results from a T to G substitution at nucleotide position 1108. The leucine at codon 370 is replaced by valine, an amino acid with highly similar properties. This amino acid position is conserved. In addition, the in silico prediction for this alteration is inconclusive. Since supporting evidence is limited at this time, the clinical significance of this alteration remains unclear.